The following is an entry in ClinVar:

ClinVar aggregate classification (germline): Uncertain significance (1 of 4 stars; one submission).

Submission:

Labcorp Genetics (formerly Invitae), Labcorp
Classification: Uncertain significance. Last evaluated: 2021-11-22. Review status: criteria provided, single submitter. Criteria: Invitae Variant Classification Sherloc (09022015). Collection method: clinical testing. Allele origin: germline.
Comment: This variant has not been reported in the literature in individuals affected with PTPN23-related conditions. This variant is not present in population databases (gnomAD no frequency). This sequence change replaces tyrosine, which is neutral and polar, with cysteine, which is neutral and slightly polar, at codon 1217 of the PTPN23 protein (p.Tyr1217Cys). Algorithms developed to predict the effect of missense changes on protein structure and function are either unavailable or do not agree on the potential impact of this missense change (SIFT: "Tolerated"; PolyPhen-2: "Probably Damaging"; Align-GVGD: "Class C0"). In summary, the available evidence is currently insufficient to determine the role of this variant in disease. Therefore, it has been classified as a Variant of Uncertain Significance.

NM_015466.4(PTPN23):c.3650A>G (p.Tyr1217Cys)

Gene: PTPN23 (protein tyrosine phosphatase non-receptor type 23; plus strand). Cytogenetic location: 3p21.31.
Variant type: single nucleotide variant.
Coding change: c.3650A>G on transcript NM_015466.4 (MANE Select); coding-DNA position 3650, A replaced by G.
Protein change: p.Tyr1217Cys; replaces tyrosine 1217 with cysteine.
Molecular consequence: missense variant.
Genome position (GRCh38, 1-based): chr3:47,411,448, A>G. VCF-style: chr3-47411448-A-G. GRCh37 (hg19) VCF-style: chr3-47452938-A-G.
Other names: c.3272A>G, p.Tyr1091Cys (NM_001304482.2); short protein forms Y1217C, Y1091C.
Identifiers: ClinVar variation 1448772 (VCV001448772.6), dbSNP rs1433755659, ClinGen allele CA352563195.